The following is an entry in ClinVar:

ClinVar aggregate classification (germline): Uncertain significance (1 of 4 stars; one submission).

Conditions:
FGFR2-related craniosynostosis. Identifiers: MedGen CN231480.

Allele frequency attached by ClinVar (database versions not stated): gnomAD 0.00001; gnomAD exomes 0.00002 and 0.00006; TOPMed 0.00002; ExAC 0.00005.
gnomAD v4.1: 26 of 1,614,034 alleles (0.0016%); highest among the groups gnomAD compares: Admixed American, 0.025%; no homozygotes.

Submission:

Labcorp Genetics (formerly Invitae), Labcorp
Classification: Uncertain significance for FGFR2-related craniosynostosis. Last evaluated: 2025-11-18. Review status: criteria provided, single submitter. Criteria: Invitae Variant Classification Sherloc (09022015). Collection method: clinical testing. Allele origin: germline.
Comment: This sequence change replaces cysteine, which is neutral and slightly polar, with tryptophan, which is neutral and slightly polar, at codon 808 of the FGFR2 protein (p.Cys808Trp). This variant is present in population databases (rs759496942, gnomAD 0.04%), and has an allele count higher than expected for a pathogenic variant. This variant has not been reported in the literature in individuals affected with FGFR2-related conditions. ClinVar contains an entry for this variant (Variation ID: 1054430). Invitae Evidence Modeling of protein sequence and biophysical properties (such as structural, functional, and spatial information, amino acid conservation, physicochemical variation, residue mobility, and thermodynamic stability) indicates that this missense variant is not expected to disrupt FGFR2 protein function with a negative predictive value of 80%. In summary, the available evidence is currently insufficient to determine the role of this variant in disease. Therefore, it has been classified as a Variant of Uncertain Significance.

NM_000141.5(FGFR2):c.2424C>G (p.Cys808Trp)

Gene: FGFR2 (fibroblast growth factor receptor 2; minus strand). Cytogenetic location: 10q26.13.
Variant type: single nucleotide variant.
Coding change: c.2424C>G on transcript NM_000141.5 (MANE Select); coding-DNA position 2424, C replaced by G.
Protein change: p.Cys808Trp; replaces cysteine 808 with tryptophan.
Molecular consequence: missense variant. On other transcripts: non-coding transcript variant (1), intron variant (1).
Genome position (GRCh38, 1-based): chr10:121,479,899, G>C on the plus strand (C>G on the coding strand, the complement: FGFR2 is on the minus strand). VCF-style: chr10-121479899-G-C. GRCh37 (hg19) VCF-style: chr10-123239413-G-C.
Other names: c.2088C>G, p.Cys696Trp (NM_001144914.1); c.2079C>G, p.Cys693Trp (NM_001144916.2); c.2076C>G, p.Cys692Trp (NM_001144917.2); c.2073C>G, p.Cys691Trp (NM_001144918.2); c.1740C>G, p.Cys580Trp (NM_001320654.2); c.2418C>G, p.Cys806Trp (NM_001320658.2); c.2427C>G, p.Cys809Trp (NM_022970.4); c.2157C>G, p.Cys719Trp (NM_023029.3); and 1 more; short protein forms C580W, C691W, C692W, C693W, C696W, C719W, C806W, C808W.
Identifiers: ClinVar variation 1054430 (VCV001054430.9), dbSNP rs759496942, ClinGen allele CA5720448.
Genomic context (GRCh38, chr10:121,479,899, plus strand): 5'-ACAGGCAGACACAGTCATTCATGTTTTAACACTGCCGTTTATGTGTGGATACTGAGGAAG[G>C]CATGGTTCGTAAGGCATGGGGTCTGGAGAAAAAACAGAATCATCTCCTGAAGAACAAGAA-3'
Protein context (NP_000132.3, residues 798-818): FSPDPMPYEP[Cys808Trp]LPQYPHINGS